The following is an entry in ClinVar:

NM_018474.6(KIZ):c.1180C>T (p.Pro394Ser)

Gene: KIZ (kizuna centrosomal protein; plus strand). Cytogenetic location: 20p11.23.
Variant type: single nucleotide variant.
Coding change: c.1180C>T on transcript NM_018474.6 (MANE Select); coding-DNA position 1180, C replaced by T.
Protein change: p.Pro394Ser; replaces proline 394 with serine.
Molecular consequence: missense variant.
Genome position (GRCh38, 1-based): chr20:21,162,987, C>T. VCF-style: chr20-21162987-C-T. GRCh37 (hg19) VCF-style: chr20-21143628-C-T.
Other names: c.871C>T, p.Pro291Ser (NM_001163022.3, NM_001352435.2); c.781C>T, p.Pro261Ser (NM_001163023.3); c.1033C>T, p.Pro345Ser (NM_001276389.2); c.1180C>T, p.Pro394Ser (NM_001352434.2); c.838C>T, p.Pro280Ser (NM_001352436.2); short protein forms P261S, P280S, P291S, P345S, P394S.
Identifiers: ClinVar variation 1004533 (VCV001004533.6), dbSNP rs768737628, ClinGen allele CA9784789.

ClinVar aggregate classification (germline): Uncertain significance (1 of 4 stars; one submission).

Allele frequency attached by ClinVar (database versions not stated): gnomAD 0.00001 and 0.00003; gnomAD exomes 0.00003 and 0.00007; ExAC 0.00007.
gnomAD v4.1: 48 of 1,613,858 alleles (0.003%); highest among the groups gnomAD compares: South Asian, 0.051%; 1 homozygote.

Submission:

Labcorp Genetics (formerly Invitae), Labcorp
Classification: Uncertain significance. Last evaluated: 2022-08-16. Review status: criteria provided, single submitter. Criteria: Invitae Variant Classification Sherloc (09022015). Collection method: clinical testing. Allele origin: germline.
Comment: This sequence change replaces proline, which is neutral and non-polar, with serine, which is neutral and polar, at codon 394 of the KIZ protein (p.Pro394Ser). This variant is present in population databases (rs768737628, gnomAD 0.06%). This variant has not been reported in the literature in individuals affected with KIZ-related conditions. ClinVar contains an entry for this variant (Variation ID: 1004533). Experimental studies and prediction algorithms are not available or were not evaluated, and the functional significance of this variant is currently unknown. In summary, the available evidence is currently insufficient to determine the role of this variant in disease. Therefore, it has been classified as a Variant of Uncertain Significance.